The following is an entry in ClinVar:

NM_000312.4(PROC):c.138C>G (p.Phe46Leu)

Gene: PROC (protein C, inactivator of coagulation factors Va and VIIIa; plus strand). Cytogenetic location: 2q14.3.
Variant type: single nucleotide variant.
Coding change: c.138C>G on transcript NM_000312.4 (MANE Select); coding-DNA position 138, C replaced by G.
Protein change: p.Phe46Leu; replaces phenylalanine 46 with leucine.
Molecular consequence: missense variant.
Genome position (GRCh38, 1-based): chr2:127,421,350, C>G. VCF-style: chr2-127421350-C-G. GRCh37 (hg19) VCF-style: chr2-128178926-C-G.
Other names: c.321C>G, p.Phe107Leu (NM_001375602.1); c.201C>G, p.Phe67Leu (NM_001375603.1, NM_001375604.1, NM_001375606.1); c.138C>G, p.Phe46Leu (NM_001375605.1, NM_001375608.1, NM_001375611.1 and 1 more transcripts); c.222C>G, p.Phe74Leu (NM_001375607.1); c.114C>G, p.Phe38Leu (NM_001375609.1); c.132C>G, p.Phe44Leu (NM_001375610.1); short protein forms F46L, F67L, F74L, F107L, F44L, F38L.
Identifiers: ClinVar variation 3663730 (VCV003663730.2).

ClinVar aggregate classification (germline): Uncertain significance. Review status: criteria provided, multiple submitters, no conflicts (2 of 4 stars). 2 submissions from 2 submitters: Uncertain significance (2). Last evaluated 2025-02-06.

Conditions:
Thrombophilia due to protein C deficiency, autosomal dominant. Also called: PROC DEFICIENCY, AUTOSOMAL DOMINANT; PROTEIN C DEFICIENCY, AUTOSOMAL DOMINANT. Identifiers: Orphanet 745, MedGen C2674321, MONDO:0008316, OMIM 176860. Disease mechanism: loss of function.

gnomAD v4.1: 72 of 1,613,832 alleles (0.0045%); highest among the groups gnomAD compares: Non-Finnish European, 0.0057%; no homozygotes.

Submissions (2):

Women's Health and Genetics/Laboratory Corporation of America, LabCorp
Classification: Uncertain significance. Last evaluated: 2025-02-06. Review status: criteria provided, single submitter. Criteria: LabCorp Variant Classification Summary - May 2015. Collection method: clinical testing. Allele origin: germline.
Comment: Variant summary: PROC c.138C>G (p.Phe46Leu) results in a non-conservative amino acid change located in the Domain containing Gla (gamma-carboxyglutamate) residues (IPR000294) of the encoded protein sequence. Four of five in-silico tools predict a damaging effect of the variant on protein function. The variant allele was found at a frequency of 2.4e-05 in 251196 control chromosomes, predominantly at a frequency of 5.3e-05 within the Non-Finnish European subpopulation in the gnomAD database. The available data on variant occurrences in the general population are insufficient to allow any conclusion about variant significance. In a recent large cohort study, c.138C>G was not enriched in the thrombotic risk of classic thrombophilia group, comparing to the controls of elderly adults (Manderstedt_2022). These report(s) do not provide unequivocal conclusions about association of the variant with Thrombophilia Due To Protein C Deficiency, Autosomal Dominant. To our knowledge, no experimental evidence demonstrating an impact on protein function has been reported. The following publication has been ascertained in the context of this evaluation (PMID: 35112923). No submitters have cited clinical-significance assessments for this variant to ClinVar. Based on the evidence outlined above, the variant was classified as uncertain significance.

Labcorp Genetics (formerly Invitae), Labcorp
Classification: Uncertain significance for Thrombophilia due to protein C deficiency, autosomal dominant. Last evaluated: 2024-12-04. Review status: criteria provided, single submitter. Criteria: Invitae Variant Classification Sherloc (09022015). Collection method: clinical testing. Allele origin: germline.
Comment: This sequence change replaces phenylalanine, which is neutral and non-polar, with leucine, which is neutral and non-polar, at codon 46 of the PROC protein (p.Phe46Leu). This variant is present in population databases (rs141040323, gnomAD 0.006%). This variant has not been reported in the literature in individuals affected with PROC-related conditions. An algorithm developed to predict the effect of missense changes on protein structure and function (PolyPhen-2) suggests that this variant is likely to be disruptive. In summary, the available evidence is currently insufficient to determine the role of this variant in disease. Therefore, it has been classified as a Variant of Uncertain Significance.

Literature cited by the submitters: PubMed 35112923 (cited by Women's Health and Genetics/Laboratory Corporation of America, LabCorp).